The following is an entry in ClinVar:

ClinVar aggregate classification (germline): Uncertain significance (1 of 4 stars; one submission).

gnomAD v4.1: 3 of 1,614,104 alleles (0.00019%); highest among the groups gnomAD compares: South Asian, 0.0022%; no homozygotes.

Submission:

GeneDx
Classification: Uncertain significance. Last evaluated: 2023-07-19. Review status: criteria provided, single submitter. Criteria: GeneDx Variant Classification Process June 2021. Collection method: clinical testing. Allele origin: germline. Affected: yes.
Comment: Not observed at significant frequency in large population cohorts (gnomAD); Missense variant in a gene in which most reported pathogenic variants are truncating/loss of function; Has not been previously published as pathogenic or benign to our knowledge

NM_001267550.2(TTN):c.2218C>T (p.Arg740Cys)

Gene: TTN (titin; minus strand). Cytogenetic location: 2q31.2.
Variant type: single nucleotide variant.
Coding change: c.2218C>T on transcript NM_001267550.2 (MANE Select); coding-DNA position 2218, C replaced by T.
Protein change: p.Arg740Cys; replaces arginine 740 with cysteine.
Molecular consequence: missense variant.
Genome position (GRCh38, 1-based): chr2:178,786,000, G>A on the plus strand (C>T on the coding strand, the complement: TTN is on the minus strand). VCF-style: chr2-178786000-G-A. GRCh37 (hg19) VCF-style: chr2-179650727-G-A.
Other names: c.2218C>T, p.Arg740Cys (NM_001256850.1, NM_133378.4, NM_133379.5); c.2080C>T, p.Arg694Cys (NM_003319.4, NM_133432.3, NM_133437.4); short protein forms R694C, R740C.
Identifiers: ClinVar variation 3361345 (VCV003361345.1).